The following is an entry in ClinVar:

NM_170784.3(MKKS):c.732_733del (p.Phe244fs)

Gene: MKKS (MKKS centrosomal shuttling protein; minus strand). Cytogenetic location: 20p12.2.
Variant type: Deletion.
Coding change: c.732_733del on transcript NM_170784.3 (MANE Select); coding-DNA positions 732 to 733, 2 bases deleted (TT; older notation c.732_733delTT).
Protein change: p.Phe244fs; shifts the reading frame from phenylalanine 244.
Molecular consequence: frameshift variant.
Genome position (GRCh38, 1-based): chr20:10,412,782-10,412,783, AA deleted on the plus strand (TT on the coding strand, the reverse complement: MKKS is on the minus strand); deleting any 2 consecutive bases within chr20:10,412,782-10,412,785 gives the same sequence; the c. name uses the placement nearest the transcript's 3' end. VCF-style (leftmost placement, unchanged base first): chr20-10412781-CAA-C. GRCh37 (hg19) VCF-style: chr20-10393429-CAA-C.
Other names: c.732_733del, p.Phe244fs (NM_018848.3); short protein forms F244fs.
Identifiers: ClinVar variation 2676534 (VCV002676534.7), dbSNP rs2514496005, ClinGen allele CA2564393599.
Genomic context (GRCh38, chr20:10,412,781, plus strand): 5'-CCATAACTGACCACCACAGTTCCTTCTCCAGTGTCAGAAGTGTCTCCGGATAAAGTTGTA[CAA>C]AAGAGTGCCACCTTGAGGGCAGTTGATTTTTTGATAGGTAATAGCCTCATTAATTGAACT-3'

ClinVar aggregate classification (germline): Conflicting classifications of pathogenicity. Review status: criteria provided, conflicting classifications (1 of 4 stars). 4 submissions from 4 submitters: Pathogenic (1); Likely pathogenic (2); Likely benign (1). Last evaluated 2024-02-08.

Conditions:
Bardet-Biedl syndrome (BBS). Identifiers: Orphanet 110, MedGen C0752166, MONDO:0015229.
McKusick-Kaufman syndrome (MKKS). Also called: HYDROMETROCOLPOS SYNDROME; HYDROMETROCOLPOS, POSTAXIAL POLYDACTYLY, AND CONGENITAL HEART MALFORMATION. Identifiers: Orphanet 2473, MedGen C0948368, MONDO:0009367, OMIM 236700.
Bardet-Biedl syndrome 6 (BBS6). Identifiers: Orphanet 110, MedGen C1858054, MONDO:0011523, OMIM 605231.
MKKS-related disorder. Also called: MKKS-related condition; MKKS-related disorders.

Submissions (4):

Baylor Genetics
Classification: Likely pathogenic for Bardet-Biedl syndrome 6. Last evaluated: 2024-02-08. Review status: criteria provided, single submitter. Criteria: ACMG Guidelines, 2015. Collection method: clinical testing. Allele origin: unknown.

Labcorp Genetics (formerly Invitae), Labcorp
Classification: Pathogenic for McKusick-Kaufman syndrome; Bardet-Biedl syndrome. Last evaluated: 2024-01-04. Review status: criteria provided, single submitter. Criteria: Invitae Variant Classification Sherloc (09022015). Collection method: clinical testing. Allele origin: germline.
Comment: This sequence change creates a premature translational stop signal (p.Phe244Leufs*10) in the MKKS gene. It is expected to result in an absent or disrupted protein product. Loss-of-function variants in MKKS are known to be pathogenic (PMID: 11179009, 28761321, 30614526). This variant is not present in population databases (gnomAD no frequency). This variant has not been reported in the literature in individuals affected with MKKS-related conditions. For these reasons, this variant has been classified as Pathogenic.

Blueprint Genetics
Classification: Likely pathogenic for MKKS-related disorders. Last evaluated: 2018-07-27. Review status: criteria provided, single submitter. Criteria: ACMG Guidelines, 2015. Collection method: clinical testing. Allele origin: germline. Affected: yes. Observed: 1 variant allele.

DNA-diagnostics Laboratory, Research Centre For Medical Genetics
Classification: Likely benign for Bardet-Biedl syndrome 6. Review status: criteria provided, single submitter. Criteria: ACMG Guidelines, 2015. Collection method: clinical testing. Allele origin: germline. Affected: yes. Observed: 1 homozygote.

Literature cited by the submitters: PubMed 11179009 (cited by Labcorp Genetics (formerly Invitae), Labcorp); PubMed 28761321 (cited by Labcorp Genetics (formerly Invitae), Labcorp); PubMed 30614526 (cited by Labcorp Genetics (formerly Invitae), Labcorp).